The following is an entry in ClinVar:

NM_000260.4(MYO7A):c.2246T>C (p.Ile749Thr)

Gene: MYO7A (myosin VIIA; plus strand). Cytogenetic location: 11q13.5.
Variant type: single nucleotide variant.
Coding change: c.2246T>C on transcript NM_000260.4 (MANE Select); coding-DNA position 2246, T replaced by C.
Protein change: p.Ile749Thr; replaces isoleucine 749 with threonine.
Molecular consequence: missense variant.
Genome position (GRCh38, 1-based): chr11:77,177,607, T>C. VCF-style: chr11-77177607-T-C. GRCh37 (hg19) VCF-style: chr11-76888653-T-C.
Other names: c.2246T>C, p.Ile749Thr (NM_001127180.2); c.2213T>C, p.Ile738Thr (NM_001369365.1); short protein forms I738T, I749T.
Identifiers: ClinVar variation 4716673 (VCV004716673.2).

ClinVar aggregate classification (germline): Uncertain significance. Review status: criteria provided, multiple submitters, no conflicts (2 of 4 stars). 2 submissions from 2 submitters: Uncertain significance (2). Last evaluated 2025-12-21.

gnomAD v4.1: 5 of 1,611,934 alleles (0.00031%); highest among the groups gnomAD compares: Non-Finnish European, 0.00042%; no homozygotes.

Submissions (2):

Labcorp Genetics (formerly Invitae), Labcorp
Classification: Uncertain significance. Last evaluated: 2025-12-21. Review status: criteria provided, single submitter. Criteria: Invitae Variant Classification Sherloc (09022015). Collection method: clinical testing. Allele origin: germline.
Comment: This sequence change replaces isoleucine, which is neutral and non-polar, with threonine, which is neutral and polar, at codon 749 of the MYO7A protein (p.Ile749Thr). This variant is present in population databases (rs781964930, gnomAD 0.002%). This variant has not been reported in the literature in individuals affected with MYO7A-related conditions. Invitae Evidence Modeling of protein sequence and biophysical properties (such as structural, functional, and spatial information, amino acid conservation, physicochemical variation, residue mobility, and thermodynamic stability) indicates that this missense variant is not expected to disrupt MYO7A protein function with a negative predictive value of 95%. In summary, the available evidence is currently insufficient to determine the role of this variant in disease. Therefore, it has been classified as a Variant of Uncertain Significance.

Blueprint Genetics
Classification: Uncertain significance. Last evaluated: 2021-10-18. Review status: criteria provided, single submitter. Criteria: ACMG Guidelines, 2015. Collection method: clinical testing. Allele origin: germline.